The following is an entry in ClinVar:

NM_001360.3(DHCR7):c.1211G>T (p.Arg404Leu)

Gene: DHCR7 (7-dehydrocholesterol reductase; minus strand). Cytogenetic location: 11q13.4.
Variant type: single nucleotide variant.
Coding change: c.1211G>T on transcript NM_001360.3 (MANE Select); coding-DNA position 1211, G replaced by T.
Protein change: p.Arg404Leu; replaces arginine 404 with leucine.
Molecular consequence: missense variant. On other transcripts: 3 prime UTR variant (1), intron variant (3).
Genome position (GRCh38, 1-based): chr11:71,435,592, C>A on the plus strand (G>T on the coding strand, the complement: DHCR7 is on the minus strand). VCF-style: chr11-71435592-C-A. GRCh37 (hg19) VCF-style: chr11-71146638-C-A.
Other names: c.1211G>T, p.Arg404Leu (NM_001425110.1, NM_001425111.1, NM_001163817.2 and 1 more transcripts); c.1345G>T, p.Ala449Ser (NM_001425112.1); c.1151G>T, p.Arg384Leu (NM_001425113.1); c.1115G>T, p.Arg372Leu (NM_001425114.1); c.1249G>T, p.Ala417Ser (NM_001425116.1); c.1037G>T, p.Arg346Leu (NM_001425117.1); c.*333G>T (NM_001425119.1); c.963+2220G>T (NM_001425120.1); and 4 more; short protein forms R346L, R384L, A449S, R421L, R404L, R416L, A417S, R372L.
Identifiers: ClinVar variation 3720830 (VCV003720830.3).

ClinVar aggregate classification (germline): Likely pathogenic. Review status: criteria provided, single submitter (1 of 4 stars). 2 submissions from 2 submitters: Likely pathogenic (1). 1 of the submissions does not count toward it. Last evaluated 2024-12-31.

Conditions:
Smith-Lemli-Opitz syndrome (SLOS). Also called: POLYDACTYLY, SEX REVERSAL, RENAL HYPOPLASIA, AND UNILOBAR LUNG; RSH SYNDROME; RUTLEDGE LETHAL MULTIPLE CONGENITAL ANOMALY SYNDROME; LETHAL ACRODYSGENITAL SYNDROME; 7-Dehydrocholesterol reductase deficiency. Identifiers: Orphanet 818, MedGen C0175694, MONDO:0010035, OMIM 270400.

Submissions (2):

Labcorp Genetics (formerly Invitae), Labcorp
Classification: Likely pathogenic for Smith-Lemli-Opitz syndrome. Last evaluated: 2024-12-31. Review status: criteria provided, single submitter. Criteria: Invitae Variant Classification Sherloc (09022015). Collection method: clinical testing. Allele origin: germline.
Comment: This sequence change replaces arginine, which is basic and polar, with leucine, which is neutral and non-polar, at codon 404 of the DHCR7 protein (p.Arg404Leu). This variant is not present in population databases (gnomAD no frequency). This missense change has been observed in individual(s) with Smith-Lemli-Opitz syndrome (PMID: 17965227). Invitae Evidence Modeling of protein sequence and biophysical properties (such as structural, functional, and spatial information, amino acid conservation, physicochemical variation, residue mobility, and thermodynamic stability) indicates that this missense variant is expected to disrupt DHCR7 protein function with a positive predictive value of 95%. This variant disrupts the p.Arg404 amino acid residue in DHCR7. Other variant(s) that disrupt this residue have been determined to be pathogenic (PMID: 9653161, 10677299, 12818773, 15896653). This suggests that this residue is clinically significant, and that variants that disrupt this residue are likely to be disease-causing. In summary, the currently available evidence indicates that the variant is pathogenic, but additional data are needed to prove that conclusively. Therefore, this variant has been classified as Likely Pathogenic.

Natera, Inc.
Classification: Uncertain significance for Smith-Lemli-Opitz syndrome. Last evaluated: 2025-03-11. Review status: no assertion criteria provided. Collection method: clinical testing. Allele origin: germline. Not counted in ClinVar's aggregate classification.

Literature cited by the submitters: PubMed 17965227 (cited by Labcorp Genetics (formerly Invitae), Labcorp); PubMed 9653161 (cited by Labcorp Genetics (formerly Invitae), Labcorp); PubMed 10677299 (cited by Labcorp Genetics (formerly Invitae), Labcorp); PubMed 12818773 (cited by Labcorp Genetics (formerly Invitae), Labcorp); PubMed 15896653 (cited by Labcorp Genetics (formerly Invitae), Labcorp).